The following is an entry in ClinVar:

NM_004136.4(IREB2):c.158G>A (p.Cys53Tyr)

Gene: IREB2 (iron responsive element binding protein 2; plus strand). Cytogenetic location: 15q25.1.
Variant type: single nucleotide variant.
Coding change: c.158G>A on transcript NM_004136.4 (MANE Select); coding-DNA position 158, G replaced by A.
Protein change: p.Cys53Tyr; replaces cysteine 53 with tyrosine.
Molecular consequence: missense variant. On other transcripts: 5 prime UTR variant (3).
Genome position (GRCh38, 1-based): chr15:78,462,973, G>A. VCF-style: chr15-78462973-G-A. GRCh37 (hg19) VCF-style: chr15-78755315-G-A.
Other names: c.158G>A (NM_004136.2); c.-523G>A (NM_001320941.2); c.-14G>A (NM_001320942.2, NM_001354994.2); c.158G>A, p.Cys53Tyr (NM_001320943.2); short protein forms C53Y.
Identifiers: ClinVar variation 2192765 (VCV002192765.5), dbSNP rs780122247, ClinGen allele CA7682653.

ClinVar aggregate classification (germline): Uncertain significance. Review status: criteria provided, multiple submitters, no conflicts (2 of 4 stars). 2 submissions from 2 submitters: Uncertain significance (2). Last evaluated 2025-04-12.

Conditions:
Inborn genetic diseases. Identifiers: MedGen C0950123, MeSH D030342.

Allele frequency attached by ClinVar (database versions not stated): ExAC 0.00002; gnomAD 0.00002; gnomAD exomes 0.00002; TOPMed 0.00002.
gnomAD v4.1: 39 of 1,613,322 alleles (0.0024%); highest among the groups gnomAD compares: Admixed American, 0.0033%; no homozygotes.

Submissions (2):

Ambry Genetics
Classification: Uncertain significance for Inborn genetic diseases. Last evaluated: 2025-04-12. Review status: criteria provided, single submitter. Criteria: Ambry Variant Classification Scheme 2023. Collection method: clinical testing. Allele origin: germline.

Labcorp Genetics (formerly Invitae), Labcorp
Classification: Uncertain significance. Last evaluated: 2022-08-05. Review status: criteria provided, single submitter. Criteria: Invitae Variant Classification Sherloc (09022015). Collection method: clinical testing. Allele origin: germline.
Comment: This sequence change replaces cysteine, which is neutral and slightly polar, with tyrosine, which is neutral and polar, at codon 53 of the IREB2 protein (p.Cys53Tyr). This variant is present in population databases (rs780122247, gnomAD 0.005%). This variant has not been reported in the literature in individuals affected with IREB2-related conditions. Algorithms developed to predict the effect of missense changes on protein structure and function are either unavailable or do not agree on the potential impact of this missense change (SIFT: "Not Available"; PolyPhen-2: "Probably Damaging"; Align-GVGD: "Not Available"). In summary, the available evidence is currently insufficient to determine the role of this variant in disease. Therefore, it has been classified as a Variant of Uncertain Significance.